The following is an entry in ClinVar:

NM_032776.3(JMJD1C):c.3079C>G (p.Gln1027Glu)

Gene: JMJD1C (jumonji domain containing 1C; minus strand). Cytogenetic location: 10q21.3.
Variant type: single nucleotide variant.
Coding change: c.3079C>G on transcript NM_032776.3 (MANE Select); coding-DNA position 3079, C replaced by G.
Protein change: p.Gln1027Glu; replaces glutamine 1027 with glutamic acid.
Molecular consequence: missense variant. On other transcripts: non-coding transcript variant (1).
Genome position (GRCh38, 1-based): chr10:63,208,590, G>C on the plus strand (C>G on the coding strand, the complement: JMJD1C is on the minus strand). VCF-style: chr10-63208590-G-C. GRCh37 (hg19) VCF-style: chr10-64968350-G-C.
Other names: c.2533C>G, p.Gln845Glu (NM_001282948.2, NM_001318154.2); c.2215C>G, p.Gln739Glu (NM_001318153.2); c.2965C>G, p.Gln989Glu (NM_001322252.2); c.2422C>G, p.Gln808Glu (NM_001322254.2, NM_001322258.2); short protein forms Q808E, Q1027E, Q739E, Q989E, Q845E.
Identifiers: ClinVar variation 3648858 (VCV003648858.2).

ClinVar aggregate classification (germline): Uncertain significance (1 of 4 stars; one submission).

Conditions:
Early Myoclonic Encephalopathy. Identifiers: MedGen C0270855.

Submission:

Labcorp Genetics (formerly Invitae), Labcorp
Classification: Uncertain significance for Early Myoclonic Encephalopathy. Last evaluated: 2024-04-05. Review status: criteria provided, single submitter. Criteria: Invitae Variant Classification Sherloc (09022015). Collection method: clinical testing. Allele origin: germline.
Comment: This sequence change replaces glutamine, which is neutral and polar, with glutamic acid, which is acidic and polar, at codon 1027 of the JMJD1C protein (p.Gln1027Glu). This variant is not present in population databases (gnomAD no frequency). This variant has not been reported in the literature in individuals affected with JMJD1C-related conditions. Advanced modeling of protein sequence and biophysical properties (such as structural, functional, and spatial information, amino acid conservation, physicochemical variation, residue mobility, and thermodynamic stability) performed at Invitae indicates that this missense variant is expected to disrupt JMJD1C protein function with a positive predictive value of 80%. In summary, the available evidence is currently insufficient to determine the role of this variant in disease. Therefore, it has been classified as a Variant of Uncertain Significance.